The following is an entry in ClinVar:

NM_001142864.4(PIEZO1):c.5802G>A (p.Leu1934=)

Gene: PIEZO1 (piezo type mechanosensitive ion channel component 1 (Er blood group); minus strand). Cytogenetic location: 16q24.3.
Variant type: single nucleotide variant.
Coding change: c.5802G>A on transcript NM_001142864.4 (MANE Select); coding-DNA position 5802, G replaced by A.
Protein change: p.Leu1934=; no amino-acid change (leucine 1934 retained).
Molecular consequence: synonymous variant.
Genome position (GRCh38, 1-based): chr16:88,720,532, C>T on the plus strand (G>A on the coding strand, the complement: PIEZO1 is on the minus strand). VCF-style: chr16-88720532-C-T. GRCh37 (hg19) VCF-style: chr16-88786940-C-T.
Other names: c.4344G>A, p.Leu1448= (NM_014745.1); c.5802G>A (NM_001142864.2).
Identifiers: ClinVar variation 2646990 (VCV002646990.28), dbSNP rs753877293, ClinGen allele CA8231765.

ClinVar aggregate classification (germline): Conflicting classifications of pathogenicity. Review status: criteria provided, conflicting classifications (1 of 4 stars). 4 submissions from 4 submitters: Uncertain significance (1); Likely benign (3). Last evaluated 2025-07-24.

Conditions:
Inborn genetic diseases. Identifiers: MedGen C0950123, MeSH D030342.

Allele frequency attached by ClinVar (database versions not stated): gnomAD 0.00006; TOPMed 0.00008; ExAC 0.00010.
gnomAD v4.1: 101 of 1,549,694 alleles (0.0065%); highest among the groups gnomAD compares: Middle Eastern, 0.05%; no homozygotes.

Submissions (4):

Labcorp Genetics (formerly Invitae), Labcorp
Classification: Uncertain significance. Last evaluated: 2025-07-24. Review status: criteria provided, single submitter. Criteria: Invitae Variant Classification Sherloc (09022015). Collection method: clinical testing. Allele origin: germline.
Comment: This sequence change affects codon 1934 of the PIEZO1 mRNA. It is a 'silent' change, meaning that it does not change the encoded amino acid sequence of the PIEZO1 protein. It affects a nucleotide within the consensus splice site. This variant is present in population databases (rs753877293, gnomAD 0.004%). This variant has not been reported in the literature in individuals affected with PIEZO1-related conditions. ClinVar contains an entry for this variant (Variation ID: 2646990). Algorithms developed to predict the effect of sequence changes on RNA splicing suggest that this variant is not likely to affect RNA splicing. In summary, the available evidence is currently insufficient to determine the role of this variant in disease. Therefore, it has been classified as a Variant of Uncertain Significance.

Ambry Genetics
Classification: Likely benign for Inborn genetic diseases. Last evaluated: 2024-12-17. Review status: criteria provided, single submitter. Criteria: Ambry Variant Classification Scheme 2023. Collection method: clinical testing. Allele origin: germline.

Blueprint Genetics
Classification: Likely benign. Last evaluated: 2024-10-08. Review status: criteria provided, single submitter. Criteria: ACMG Guidelines, 2015. Collection method: clinical testing. Allele origin: germline.

CeGaT Center for Human Genetics Tuebingen
Classification: Likely benign. Last evaluated: 2022-05-01. Review status: criteria provided, single submitter. Criteria: CeGaT Center For Human Genetics Tuebingen Variant Classification Criteria Version 2. Collection method: clinical testing. Allele origin: germline. Affected: yes. Observed: 1 variant allele.
Comment: PIEZO1: BP4, BP7